The following is an entry in ClinVar:

NC_000001.10:g.(?_45800053)_(45800193_?)dup

Gene: MUTYH (mutY DNA glycosylase; minus strand). Cytogenetic location: 1p34.1.
Variant type: Duplication.
Identifiers: ClinVar variation 1515203 (VCV001515203.1).

ClinVar aggregate classification (germline): Likely pathogenic (1 of 4 stars; one submission).

Conditions:
Familial adenomatous polyposis 2. Also called: MUTYH-associated polyposis; MUTYH-related attenuated familial adenomatous polyposis; COLORECTAL ADENOMATOUS POLYPOSIS, AUTOSOMAL RECESSIVE; ADENOMAS, MULTIPLE COLORECTAL, AUTOSOMAL RECESSIVE; FAP type 2; MUTYH Polyposis. Identifiers: Orphanet 220460, Orphanet 247798, MedGen C3272841, MONDO:0012041, OMIM 608456.

Submission:

Labcorp Genetics (formerly Invitae), Labcorp
Classification: Likely pathogenic for Familial adenomatous polyposis 2. Last evaluated: 2021-05-02. Review status: criteria provided, single submitter. Criteria: Invitae Variant Classification Sherloc (09022015). Collection method: clinical testing. Allele origin: germline.
Comment: This variant results in a copy number gain of the genomic region encompassing exon(s) 2 of the MUTYH gene. While the exact position of this variant cannot be determined from the data, sub-genic copy number gains are generally in tandem (PMID: 25640679). This variant is predicted to be out-of-frame, and may result in an absent or disrupted protein product. Loss-of-function variants in MUTYH are known to be pathogenic (PMID: 18534194, 20663686). This variant has not been reported in the literature in individuals with MUTYH-related conditions. Experimental studies and prediction algorithms are not available or were not evaluated, and the functional significance of this variant is currently unknown. In summary, the currently available evidence indicates that the variant is pathogenic, but additional data are needed to prove that conclusively. Therefore, this variant has been classified as Likely Pathogenic.

Literature cited by the submitters: PubMed 25640679; PubMed 18534194; PubMed 20663686.